The following is an entry in ClinVar:

ClinVar aggregate classification (germline): Likely benign (1 of 4 stars; one submission).

Allele frequency attached by ClinVar (database versions not stated): ExAC 0.00522.

Submission:

CeGaT Center for Human Genetics Tuebingen
Classification: Likely benign. Last evaluated: 2022-11-01. Review status: criteria provided, single submitter. Criteria: CeGaT Center For Human Genetics Tuebingen Variant Classification Criteria Version 2. Collection method: clinical testing. Allele origin: germline. Affected: yes. Observed: 2 variant alleles.
Comment: KCNC3: BP4, BP7

NM_004977.3(KCNC3):c.1737A>C (p.Pro579=)

Gene: KCNC3 (potassium voltage-gated channel subfamily C member 3; minus strand). Cytogenetic location: 19q13.33.
Variant type: single nucleotide variant.
Coding change: c.1737A>C on transcript NM_004977.3 (MANE Select); coding-DNA position 1737, A replaced by C.
Protein change: p.Pro579=; no amino-acid change (proline 579 retained).
Molecular consequence: synonymous variant.
Genome position (GRCh38, 1-based): chr19:50,323,216, T>G on the plus strand (A>C on the coding strand, the complement: KCNC3 is on the minus strand). VCF-style: chr19-50323216-T-G. GRCh37 (hg19) VCF-style: chr19-50826473-T-G.
Other names: c.1509A>C, p.Pro503= (NM_001372305.1).
Identifiers: ClinVar variation 2650323 (VCV002650323.24), dbSNP rs778162119, ClinGen allele CA9594180.